The following is an entry in ClinVar:

ClinVar aggregate classification (germline): Uncertain significance. Review status: criteria provided, multiple submitters, no conflicts (2 of 4 stars). 2 submissions from 2 submitters: Uncertain significance (2). Last evaluated 2022-03-20.

Conditions:
Kabuki syndrome. Also called: Kabuki make-up syndrome; NIIKAWA-KUROKI SYNDROME. Identifiers: Orphanet 2322, MedGen C0796004, MONDO:0016512.

Allele frequency attached by ClinVar (database versions not stated): gnomAD 0.00001; ExAC 0.00007.
gnomAD v4.1: 9 of 1,527,336 alleles (0.00059%); highest among the groups gnomAD compares: African/African-American, 0.0014%; no homozygotes.

Submissions (2):

Labcorp Genetics (formerly Invitae), Labcorp
Classification: Uncertain significance for Kabuki syndrome. Last evaluated: 2022-03-20. Review status: criteria provided, single submitter. Criteria: Invitae Variant Classification Sherloc (09022015). Collection method: clinical testing. Allele origin: germline.
Comment: This sequence change replaces arginine, which is basic and polar, with cysteine, which is neutral and slightly polar, at codon 1958 of the KMT2D protein (p.Arg1958Cys). This variant is not present in population databases (gnomAD no frequency). This variant has not been reported in the literature in individuals affected with KMT2D-related conditions. Algorithms developed to predict the effect of missense changes on protein structure and function are either unavailable or do not agree on the potential impact of this missense change (SIFT: "Deleterious"; PolyPhen-2: "Probably Damaging"; Align-GVGD: "Class C0"). In summary, the available evidence is currently insufficient to determine the role of this variant in disease. Therefore, it has been classified as a Variant of Uncertain Significance.

Blueprint Genetics
Classification: Uncertain significance. Last evaluated: 2021-12-29. Review status: criteria provided, single submitter. Criteria: ACMG Guidelines, 2015. Collection method: clinical testing. Allele origin: germline.

NM_003482.4(KMT2D):c.5872C>T (p.Arg1958Cys)

Gene: KMT2D (lysine methyltransferase 2D; minus strand). Cytogenetic location: 12q13.12.
Variant type: single nucleotide variant.
Coding change: c.5872C>T on transcript NM_003482.4 (MANE Select); coding-DNA position 5872, C replaced by T.
Protein change: p.Arg1958Cys; replaces arginine 1958 with cysteine.
Molecular consequence: missense variant.
Genome position (GRCh38, 1-based): chr12:49,042,326, G>A on the plus strand (C>T on the coding strand, the complement: KMT2D is on the minus strand). VCF-style: chr12-49042326-G-A. GRCh37 (hg19) VCF-style: chr12-49436109-G-A.
Other names: short protein forms R1958C.
Identifiers: ClinVar variation 2175268 (VCV002175268.5), dbSNP rs755573725, ClinGen allele CA6547406.
Genomic context (GRCh38, chr12:49,042,326, plus strand): 5'-CACCTGAGCCCGTCCAGGGGCTGTCGGGCTCACCGGGTTCCGGGCTAAAGAAGCCCCCGC[G>A]CTCCCTGGGGCGCAGGGGCAGAGAGTCACAGGGCGCAGGGATGCCAAGTCCCACCCCAGA-3'
Protein context (NP_003473.3, residues 1948-1968): CQSPFLDSRE[Arg1958Cys]GGFFSPEPGE